The following is an entry in ClinVar:

ClinVar aggregate classification (germline): Uncertain significance. Review status: criteria provided, multiple submitters, no conflicts (2 of 4 stars). 2 submissions from 2 submitters: Uncertain significance (2). Last evaluated 2025-08-17.

Conditions:
Tuberous sclerosis 2 (TSC2). Identifiers: Orphanet 805, MedGen C1860707, MONDO:0013199, OMIM 613254.
Hereditary cancer-predisposing syndrome. Also called: Neoplastic Syndromes, Hereditary; Hereditary neoplastic syndrome; Tumor predisposition; Hereditary Cancer Syndrome. Identifiers: Orphanet 140162, MedGen C0027672, MeSH D009386, MONDO:0015356.

Submissions (2):

Labcorp Genetics (formerly Invitae), Labcorp
Classification: Uncertain significance for Tuberous sclerosis 2. Last evaluated: 2025-08-17. Review status: criteria provided, single submitter. Criteria: Invitae Variant Classification Sherloc (09022015). Collection method: clinical testing. Allele origin: germline.
Comment: This sequence change replaces proline, which is neutral and non-polar, with arginine, which is basic and polar, at codon 1777 of the TSC2 protein (p.Pro1777Arg). This variant is not present in population databases (gnomAD no frequency). This variant has not been reported in the literature in individuals affected with TSC2-related conditions. ClinVar contains an entry for this variant (Variation ID: 535891). Invitae Evidence Modeling of protein sequence and biophysical properties (such as structural, functional, and spatial information, amino acid conservation, physicochemical variation, residue mobility, and thermodynamic stability) indicates that this missense variant is not expected to disrupt TSC2 protein function with a negative predictive value of 95%. In summary, the available evidence is currently insufficient to determine the role of this variant in disease. Therefore, it has been classified as a Variant of Uncertain Significance.

Ambry Genetics
Classification: Uncertain significance for Hereditary cancer-predisposing syndrome. Last evaluated: 2023-10-20. Review status: criteria provided, single submitter. Criteria: Ambry Variant Classification Scheme 2023. Collection method: clinical testing. Allele origin: germline.
Comment: The p.P1777R variant (also known as c.5330C>G), located in coding exon 41 of the TSC2 gene, results from a C to G substitution at nucleotide position 5330. The proline at codon 1777 is replaced by arginine, an amino acid with dissimilar properties. This amino acid position is conserved. In addition, the in silico prediction for this alteration is inconclusive. Since supporting evidence is limited at this time, the clinical significance of this alteration remains unclear.

NM_000548.5(TSC2):c.5330C>G (p.Pro1777Arg)

Gene: TSC2 (TSC complex subunit 2; plus strand). Cytogenetic location: 16p13.3.
Variant type: single nucleotide variant.
Coding change: c.5330C>G on transcript NM_000548.5 (MANE Select); coding-DNA position 5330, C replaced by G.
Protein change: p.Pro1777Arg; replaces proline 1777 with arginine.
Molecular consequence: missense variant.
Genome position (GRCh38, 1-based): chr16:2,088,516, C>G. VCF-style: chr16-2088516-C-G. GRCh37 (hg19) VCF-style: chr16-2138517-C-G.
Other names: c.5129C>G, p.Pro1710Arg (NM_001077183.3); c.5261C>G, p.Pro1754Arg (NM_001114382.3); c.5021C>G, p.Pro1674Arg (NM_001318827.2); c.4985C>G, p.Pro1662Arg (NM_001318829.2); c.4598C>G, p.Pro1533Arg (NM_001318831.2); c.5162C>G, p.Pro1721Arg (NM_001318832.2); c.5132C>G, p.Pro1711Arg (NM_001363528.2); c.5198C>G, p.Pro1733Arg (NM_001370404.1); and 2 more; short protein forms P1777R, P1533R, P1711R, P1730R, P1662R, P1721R, P1734R, P1674R.
Identifiers: ClinVar variation 535891 (VCV000535891.7), dbSNP rs1555441353, ClinGen allele CA394315604.